The following is an entry in ClinVar:

ClinVar aggregate classification (germline): Uncertain significance. Review status: criteria provided, multiple submitters, no conflicts (2 of 4 stars). 5 submissions from 5 submitters: Uncertain significance (4). 1 of the submissions does not count toward it. Last evaluated 2023-09-04.

Conditions:
Hereditary cancer-predisposing syndrome. Also called: Tumor predisposition; Hereditary Cancer Syndrome; Neoplastic Syndromes, Hereditary; Hereditary neoplastic syndrome. Identifiers: Orphanet 140162, MedGen C0027672, MeSH D009386, MONDO:0015356.
Hereditary breast ovarian cancer syndrome. Also called: Hereditary breast and/or ovarian cancer syndrome; BRCA1- and BRCA2-Associated Hereditary Breast and Ovarian Cancer; Hereditary breast and ovarian cancer; Hereditary breast and ovarian cancer syndrome (HBOC); Breast and ovarian cancer; Hereditary breast and ovarian cancer syndrome. Identifiers: Orphanet 145, MedGen C0677776, MeSH D061325, MONDO:0003582. Disease mechanism: loss of function.
Breast-ovarian cancer, familial, susceptibility to, 2 (BROVCA2). Also called: BRCA2 Hereditary Breast and Ovarian Cancer. Identifiers: Orphanet 145, MedGen C2675520, MONDO:0012933, OMIM 612555. Disease mechanism: loss of function.
Familial cancer of breast. Also called: Hereditary breast cancer; BREAST CANCER, FAMILIAL; hereditary breast carcinoma. Identifiers: Orphanet 227535, MedGen C0346153, MONDO:0016419, OMIM 114480. Disease mechanism: loss of function.

Submissions (5):

Baylor Genetics
Classification: Uncertain significance for Familial cancer of breast. Last evaluated: 2023-09-04. Review status: criteria provided, single submitter. Criteria: ACMG Guidelines, 2015. Collection method: clinical testing. Allele origin: unknown.

Labcorp Genetics (formerly Invitae), Labcorp
Classification: Uncertain significance for Hereditary breast ovarian cancer syndrome. Last evaluated: 2022-11-17. Review status: criteria provided, single submitter. Criteria: Invitae Variant Classification Sherloc (09022015). Collection method: clinical testing. Allele origin: germline.
Comment: Advanced modeling of protein sequence and biophysical properties (such as structural, functional, and spatial information, amino acid conservation, physicochemical variation, residue mobility, and thermodynamic stability) performed at Invitae indicates that this missense variant is not expected to disrupt BRCA2 protein function. In summary, the available evidence is currently insufficient to determine the role of this variant in disease. Therefore, it has been classified as a Variant of Uncertain Significance. ClinVar contains an entry for this variant (Variation ID: 216262). This variant has not been reported in the literature in individuals affected with BRCA2-related conditions. This variant is not present in population databases (gnomAD no frequency). This sequence change replaces serine, which is neutral and polar, with phenylalanine, which is neutral and non-polar, at codon 2836 of the BRCA2 protein (p.Ser2836Phe).

Color Diagnostics, LLC DBA Color Health
Classification: Uncertain significance for Hereditary cancer-predisposing syndrome. Last evaluated: 2019-04-24. Review status: criteria provided, single submitter. Criteria: ACMG Guidelines, 2015. Collection method: clinical testing. Allele origin: germline.

Centre for Mendelian Genomics, University Medical Centre Ljubljana
Classification: Uncertain significance for Breast-ovarian cancer, familial, susceptibility to, 2. Last evaluated: 2019-01-18. Review status: criteria provided, single submitter. Criteria: ACMG Guidelines, 2015. Collection method: clinical testing. Allele origin: unknown. Affected: yes.
Comment: This variant was classified as: Uncertain significance. The available evidence on this variant's pathogenicity is insufficient or conflicting. The following ACMG criteria were applied in classifying this variant: PM1,PM2,PP3,BP1.

Counsyl
Classification: Uncertain significance for Breast-ovarian cancer, familial, susceptibility to, 2. Last evaluated: 2017-10-27. Review status: no assertion criteria provided. Collection method: clinical testing. Allele origin: unknown. Not counted in ClinVar's aggregate classification.

NM_000059.4(BRCA2):c.8507C>T (p.Ser2836Phe)

Gene: BRCA2 (BRCA2 DNA repair associated; plus strand). Cytogenetic location: 13q13.1.
Variant type: single nucleotide variant.
Coding change: c.8507C>T on transcript NM_000059.4 (MANE Select); coding-DNA position 8507, C replaced by T.
Protein change: p.Ser2836Phe; replaces serine 2836 with phenylalanine.
Molecular consequence: missense variant.
Genome position (GRCh38, 1-based): chr13:32,370,975, C>T. VCF-style: chr13-32370975-C-T. GRCh37 (hg19) VCF-style: chr13-32945112-C-T.
Other names: short protein forms S2836F.
Identifiers: ClinVar variation 216262 (VCV000216262.17), dbSNP rs863224599, ClinGen allele CA336295.
Genomic context (GRCh38, chr13:32,370,975, plus strand): 5'-ATATATGTGACTTTTTTGGTGTGTGTAACACATTATTACAGTGGATGGAGAAGACATCAT[C>T]TGGATTATACATATTTCGCAATGAAAGAGAGGAAGAAAAGGAAGCAGCAAAATATGTGGA-3'
Protein context (NP_000050.3, residues 2826-2846): YPIQWMEKTS[Ser2836Phe]GLYIFRNERE